The following is an entry in ClinVar:

NM_000069.3(CACNA1S):c.2582G>C (p.Gly861Ala)

Gene: CACNA1S (calcium voltage-gated channel subunit alpha1 S; minus strand). Cytogenetic location: 1q32.1.
Variant type: single nucleotide variant.
Coding change: c.2582G>C on transcript NM_000069.3 (MANE Select); coding-DNA position 2582, G replaced by C.
Protein change: p.Gly861Ala; replaces glycine 861 with alanine.
Molecular consequence: missense variant.
Genome position (GRCh38, 1-based): chr1:201,066,962, C>G on the plus strand (G>C on the coding strand, the complement: CACNA1S is on the minus strand). VCF-style: chr1-201066962-C-G. GRCh37 (hg19) VCF-style: chr1-201036090-C-G.
Other names: short protein forms G861A.
Identifiers: ClinVar variation 385304 (VCV000385304.13), dbSNP rs369192794, ClinGen allele CA079088.

ClinVar aggregate classification (germline): Conflicting classifications of pathogenicity. Review status: criteria provided, conflicting classifications (1 of 4 stars). 7 submissions from 7 submitters: Uncertain significance (6); Benign (1). Last evaluated 2025-10-29.

Conditions:
Hypokalemic periodic paralysis, type 1. Also called: Hypokalemic Periodic Paralysis Type 1 (AD); HypoPP. Identifiers: Orphanet 681, MedGen C3714580, MONDO:0042979, OMIM 170400.
Malignant hyperthermia, susceptibility to, 5 (MHS5). Also called: CACNA1S-Related Malignant Hyperthermia Susceptibility. Identifiers: Orphanet 423, MedGen C1866077, MONDO:0011163, OMIM 601887.
Congenital myopathy 18. Also called: DIHYDROPYRIDINE RECEPTOR CONGENITAL MYOPATHY; DHPR CONGENITAL MYOPATHY; Myopathy, congenital, due to dihydropyridine receptor defect. Identifiers: MedGen C5830283, MONDO:0859514, OMIM 620246.
Thyrotoxic periodic paralysis, susceptibility to, 1 (TTPP1). Identifiers: Orphanet 79102, MedGen C2749982, MONDO:0008570, OMIM 188580.
Inborn genetic diseases. Identifiers: MedGen C0950123, MeSH D030342.

Allele frequency attached by ClinVar (database versions not stated): gnomAD exomes 0.00002; ExAC 0.00003; gnomAD 0.00011; TOPMed 0.00011; ESP Exome Variant Server 0.00023.
gnomAD v4.1: 31 of 1,613,954 alleles (0.0019%); highest among the groups gnomAD compares: African/African-American, 0.032%; no homozygotes.

Submissions (7):

Labcorp Genetics (formerly Invitae), Labcorp
Classification: Benign for Hypokalemic periodic paralysis, type 1; Malignant hyperthermia, susceptibility to, 5. Last evaluated: 2025-10-29. Review status: criteria provided, single submitter. Criteria: Invitae Variant Classification Sherloc (09022015). Collection method: clinical testing. Allele origin: germline.

Ambry Genetics
Classification: Uncertain significance for Inborn genetic diseases. Last evaluated: 2024-08-12. Review status: criteria provided, single submitter. Criteria: Ambry Variant Classification Scheme 2023. Collection method: clinical testing. Allele origin: germline.

Color Diagnostics, LLC DBA Color Health
Classification: Uncertain significance for Malignant hyperthermia, susceptibility to, 5. Last evaluated: 2024-02-06. Review status: criteria provided, single submitter. Criteria: ACMG Guidelines, 2015. Collection method: clinical testing. Allele origin: germline.
Comment: This missense variant replaces glycine with alanine at codon 861 of the CACNA1S protein. Computational prediction suggests that this variant may have deleterious impact on protein structure and function. To our knowledge, functional studies have not been reported for this variant. This variant has not been reported in individuals affected with CACNA1S-related disorders in the literature. This variant has been identified in 10/282758 chromosomes in the general population by the Genome Aggregation Database (gnomAD). The available evidence is insufficient to determine the role of this variant in disease conclusively. Therefore, this variant is classified as a Variant of Uncertain Significance.

Fulgent Genetics
Classification: Uncertain significance for Hypokalemic periodic paralysis, type 1; Thyrotoxic periodic paralysis, susceptibility to, 1; Malignant hyperthermia, susceptibility to, 5; Congenital myopathy 18. Last evaluated: 2023-12-23. Review status: criteria provided, single submitter. Criteria: ACMG Guidelines, 2015. Collection method: clinical testing. Allele origin: germline.

All of Us Research Program, National Institutes of Health
Classification: Uncertain significance for Malignant hyperthermia, susceptibility to, 5. Last evaluated: 2023-12-01. Review status: criteria provided, single submitter. Criteria: ACMG Guidelines, 2015. Collection method: clinical testing. Allele origin: germline. Inheritance: Autosomal dominant inheritance. Observed: 5 variant alleles, 5 heterozygotes.
Comment: This missense variant replaces glycine with alanine at codon 861 of the CACNA1S protein. Computational prediction suggests that this variant may have deleterious impact on protein structure and function (internally defined REVEL score threshold >= 0.7, PMID: 27666373). To our knowledge, functional studies have not been reported for this variant. This variant has not been reported in individuals affected with CACNA1S-related disorders in the literature. This variant has been identified in 10/282758 chromosomes in the general population by the Genome Aggregation Database (gnomAD). The available evidence is insufficient to determine the role of this variant in disease conclusively. Therefore, this variant is classified as a Variant of Uncertain Significance.

This study involves interpretation of variants in research participants for the purpose of population health screening. Participant phenotype was not available at the time of variant classification. Additional details can be found in publication PMID: 35346344, PMCID: PMC8962531

GeneDx
Classification: Uncertain significance. Last evaluated: 2018-07-05. Review status: criteria provided, single submitter. Criteria: GeneDx Variant Classification (06012015). Collection method: clinical testing. Allele origin: germline. Affected: yes.
Comment: The G861A variant in the CACNA1S gene has not been reported previously as a pathogenic variant, nor as a benign variant, to our knowledge. The G861A variant was not observed at any significant frequency in approximately 6500 individuals of European and African American ancestry in the NHLBI Exome Sequencing Project, indicating it is not a common benign variant in these populations. The G861A variant is a conservative amino acid substitution, which is not likely to impact secondary protein structure as these residues share similar properties. However, this substitution occurs at a position that is conserved across species and in silico analysis predicts this variant is probably damaging to the protein structure/function. We interpret G861A as a variant of uncertain significance.

Breakthrough Genomics
Classification: Uncertain significance. Review status: criteria provided, single submitter. Criteria: ACMG Guidelines, 2015. Collection method: not provided. Allele origin: germline. Inheritance: Autosomal dominant inheritance. Affected: yes.